The following is an entry in ClinVar:

ClinVar aggregate classification (germline): Uncertain significance (1 of 4 stars; one submission).

Conditions:
Autosomal recessive limb-girdle muscular dystrophy type 2C (LGMDR5). Also called: MUSCULAR DYSTROPHY, DUCHENNE-LIKE; MUSCULAR DYSTROPHY, LIMB-GIRDLE, AUTOSOMAL RECESSIVE 5. Identifiers: Orphanet 353, MedGen C0410173, MONDO:0009677, OMIM 253700. Disease mechanism: Affects gamma-sarcoglycan and also disrupts the integrity of the entire sarcoglycan complex..

Submission:

Labcorp Genetics (formerly Invitae), Labcorp
Classification: Uncertain significance for Autosomal recessive limb-girdle muscular dystrophy type 2C. Last evaluated: 2019-04-25. Review status: criteria provided, single submitter. Criteria: Invitae Variant Classification Sherloc (09022015). Collection method: clinical testing. Allele origin: germline.
Comment: This sequence change replaces tyrosine with asparagine at codon 273 of the SGCG protein (p.Tyr273Asn). The tyrosine residue is moderately conserved and there is a large physicochemical difference between tyrosine and asparagine. This variant is not present in population databases (ExAC no frequency). This variant has not been reported in the literature in individuals with SGCG-related conditions. Algorithms developed to predict the effect of missense changes on protein structure and function (SIFT, PolyPhen-2, Align-GVGD) all suggest that this variant is likely to be disruptive, but these predictions have not been confirmed by published functional studies and their clinical significance is uncertain. In summary, the available evidence is currently insufficient to determine the role of this variant in disease. Therefore, it has been classified as a Variant of Uncertain Significance.

NM_000231.3(SGCG):c.817T>A (p.Tyr273Asn)

Gene: SGCG (sarcoglycan gamma; plus strand). Cytogenetic location: 13q12.12.
Variant type: single nucleotide variant.
Coding change: c.817T>A on transcript NM_000231.3 (MANE Select); coding-DNA position 817, T replaced by A.
Protein change: p.Tyr273Asn; replaces tyrosine 273 with asparagine.
Molecular consequence: missense variant.
Genome position (GRCh38, 1-based): chr13:23,324,482, T>A. VCF-style: chr13-23324482-T-A. GRCh37 (hg19) VCF-style: chr13-23898621-T-A.
Other names: c.871T>A, p.Tyr291Asn (NM_001378244.1); c.817T>A, p.Tyr273Asn (NM_001378245.1, NM_001378246.1); short protein forms Y273N, Y291N.
Identifiers: ClinVar variation 944065 (VCV000944065.10), dbSNP rs1883158469, ClinGen allele CA387503855.
Genomic context (GRCh38, chr13:23,324,482, plus strand): 5'-GGTCCCTCTGGCAGCTCACAGAGCCTCTACGAAATCTGTGTGTGTCCAGATGGGAAGCTG[T>A]ACCTGTCTGTGGCCGGTGTGAGCACCACGTGCCAGGAGCACAACCACATCTGCCTCTGAG-3'
Protein context (NP_000222.2, residues 263-283): EICVCPDGKL[Tyr273Asn]LSVAGVSTTC